The following is an entry in ClinVar:

NM_004568.6(SERPINB6):c.499_502del (p.Val167fs)

Gene: SERPINB6 (serpin family B member 6; minus strand). Cytogenetic location: 6p25.2.
Variant type: Deletion.
Coding change: c.499_502del on transcript NM_004568.6 (MANE Select); coding-DNA positions 499 to 502, 4 bases deleted (GTCT; older notation c.499_502delGTCT).
Protein change: p.Val167fs; shifts the reading frame from valine 167.
Molecular consequence: frameshift variant. On other transcripts: non-coding transcript variant (1).
Genome position (GRCh38, 1-based): chr6:2,953,115-2,953,118, AGAC deleted on the plus strand (GTCT on the coding strand, the reverse complement: SERPINB6 is on the minus strand); deleting any 4 consecutive bases within chr6:2,953,115-2,953,120 gives the same sequence; the c. name uses the placement nearest the transcript's 3' end. VCF-style (leftmost placement, unchanged base first): chr6-2953114-TAGAC-T. GRCh37 (hg19) VCF-style: chr6-2953348-TAGAC-T.
Other names: c.511_514del, p.Val171fs (NM_001195291.3, NM_001374515.1); c.541_544del, p.Val181fs (NM_001271822.2); c.556_559del, p.Val186fs (NM_001271823.2); c.499_502del, p.Val167fs (NM_001271824.2, NM_001271825.2, NM_001297699.2 and 2 more transcripts); c.367_370del, p.Val123fs (NM_001374517.1); c.499_502del (NM_004568.5); short protein forms V181fs, V186fs, V171fs, V123fs, V167fs.
Identifiers: ClinVar variation 3369366 (VCV003369366.2), dbSNP rs776258829.

ClinVar aggregate classification (germline): Uncertain significance (1 of 4 stars; one submission).

Submission:

GeneDx
Classification: Uncertain significance. Last evaluated: 2026-05-20. Review status: criteria provided, single submitter. Criteria: GeneDx Variant Classification Process June 2021. Collection method: clinical testing. Allele origin: germline.
Comment: Frameshift variant predicted to result in protein truncation or nonsense mediated decay in a gene for which loss of function is a known mechanism of disease; Has not been previously published as pathogenic or benign to our knowledge